The following is an entry in ClinVar:

NM_005896.4(IDH1):c.571G>A (p.Asp191Asn)

Gene: IDH1 (isocitrate dehydrogenase (NADP(+)) 1; minus strand). Cytogenetic location: 2q34.
Variant type: single nucleotide variant.
Coding change: c.571G>A on transcript NM_005896.4 (MANE Select); coding-DNA position 571, G replaced by A.
Protein change: p.Asp191Asn; replaces aspartic acid 191 with asparagine.
Molecular consequence: missense variant.
Genome position (GRCh38, 1-based): chr2:208,243,554, C>T on the plus strand (G>A on the coding strand, the complement: IDH1 is on the minus strand). VCF-style: chr2-208243554-C-T. GRCh37 (hg19) VCF-style: chr2-209108278-C-T.
Other names: c.571G>A, p.Asp191Asn (NM_001282386.1, NM_001282387.1); short protein forms D191N.
Identifiers: ClinVar variation 1749279 (VCV001749279.2), dbSNP rs1687961189, ClinGen allele CA350099527.

ClinVar aggregate classification (germline): Uncertain significance (1 of 4 stars; one submission).

Allele frequency attached by ClinVar (database versions not stated): gnomAD exomes below 0.00001; gnomAD 0.00001.

Submission:

Ambry Genetics
Classification: Uncertain significance. Last evaluated: 2022-01-02. Review status: criteria provided, single submitter. Criteria: Ambry Variant Classification Scheme 2023. Collection method: clinical testing. Allele origin: germline.
Comment: The p.D191N variant (also known as c.571G>A), located in coding exon 4 of the IDH1 gene, results from a G to A substitution at nucleotide position 571. The aspartic acid at codon 191 is replaced by asparagine, an amino acid with highly similar properties. This amino acid position is conserved. In addition, this alteration is predicted to be tolerated by in silico analysis. Since supporting evidence is limited at this time, the clinical significance of this alteration remains unclear.